The following is an entry in ClinVar:

ClinVar aggregate classification (germline): Uncertain significance. Review status: criteria provided, multiple submitters, no conflicts (2 of 4 stars). 2 submissions from 2 submitters: Uncertain significance (2). Last evaluated 2022-04-20.

Allele frequency attached by ClinVar (database versions not stated): ExAC 0.00001.

Submissions (2):

Labcorp Genetics (formerly Invitae), Labcorp
Classification: Uncertain significance. Last evaluated: 2022-04-20. Review status: criteria provided, single submitter. Criteria: Invitae Variant Classification Sherloc (09022015). Collection method: clinical testing. Allele origin: germline.
Comment: This sequence change falls in intron 9 of the CTDP1 gene. It does not directly change the encoded amino acid sequence of the CTDP1 protein. It affects a nucleotide within the consensus splice site. This variant is present in population databases (rs773952564, gnomAD 0.0009%). This variant has not been reported in the literature in individuals affected with CTDP1-related conditions. Variants that disrupt the consensus splice site are a relatively common cause of aberrant splicing (PMID: 17576681, 9536098). Algorithms developed to predict the effect of sequence changes on RNA splicing suggest that this variant is not likely to affect RNA splicing. In summary, the available evidence is currently insufficient to determine the role of this variant in disease. Therefore, it has been classified as a Variant of Uncertain Significance.

Breakthrough Genomics
Classification: Uncertain significance. Review status: criteria provided, single submitter. Criteria: ACMG Guidelines, 2015. Collection method: not provided. Allele origin: germline. Inheritance: Autosomal recessive inheritance. Affected: yes.

Literature cited by the submitters: PubMed 17576681 (cited by Labcorp Genetics (formerly Invitae), Labcorp); PubMed 9536098 (cited by Labcorp Genetics (formerly Invitae), Labcorp).

NM_004715.5(CTDP1):c.2210+3G>A

Gene: CTDP1 (CTD phosphatase subunit 1; plus strand). Cytogenetic location: 18q23.
Variant type: single nucleotide variant.
Coding change: c.2210+3G>A on transcript NM_004715.5 (MANE Select); 3 bases into the intron after coding-DNA position 2210, G replaced by A.
Molecular consequence: intron variant.
Genome position (GRCh38, 1-based): chr18:79,717,679, G>A. VCF-style: chr18-79717679-G-A. GRCh37 (hg19) VCF-style: chr18-77477679-G-A.
Other names: c.2210+3G>A (NM_001318511.2, NM_048368.4); c.1853+3G>A (NM_001202504.1).
Identifiers: ClinVar variation 2103434 (VCV002103434.5), dbSNP rs773952564, ClinGen allele CA9010482.